The following is an entry in ClinVar:

NM_006493.4(CLN5):c.661G>C (p.Gly221Arg)

Gene: CLN5 (CLN5 lysosomal BMP synthase; plus strand). Cytogenetic location: 13q22.3.
Variant type: single nucleotide variant.
Coding change: c.661G>C on transcript NM_006493.4 (MANE Select); coding-DNA position 661, G replaced by C.
Protein change: p.Gly221Arg; replaces glycine 221 with arginine.
Molecular consequence: missense variant. On other transcripts: 3 prime UTR variant (1).
Genome position (GRCh38, 1-based): chr13:77,000,553, G>C. VCF-style: chr13-77000553-G-C. GRCh37 (hg19) VCF-style: chr13-77574688-G-C.
Other names: c.*110G>C (NM_001366624.2); c.808G>C (LRG_692t1); short protein forms G221R.
Identifiers: ClinVar variation 420639 (VCV000420639.13), dbSNP rs755669847, ClinGen allele CA7007242.

ClinVar aggregate classification (germline): Uncertain significance. Review status: criteria provided, multiple submitters, no conflicts (2 of 4 stars). 3 submissions from 3 submitters: Uncertain significance (3). Last evaluated 2021-09-05.

Conditions:
Neuronal ceroid lipofuscinosis 5 (CLN5). Also called: CEROID LIPOFUSCINOSIS, NEURONAL, 5, VARIABLE AGE AT ONSET; Neuronal ceroid lipofuscinosis Finnish variant; NEURONAL CEROID LIPOFUSCINOSIS, LATE INFANTILE, FINNISH VARIANT; CLN5-Related Neuronal Ceroid-Lipofuscinosis. Identifiers: Orphanet 168491, Orphanet 228360, MedGen C1850442, MONDO:0009745, OMIM 256731.
Neuronal ceroid lipofuscinosis. Also called: Neuronal Ceroid Lipofuscinoses. Identifiers: Orphanet 216, Orphanet 79263, MedGen C0027877, MONDO:0016295. Disease mechanism: loss of function.

Allele frequency attached by ClinVar (database versions not stated): gnomAD exomes below 0.00001; ExAC 0.00001.

Submissions (3):

Genome-Nilou Lab
Classification: Uncertain significance for Neuronal ceroid lipofuscinosis 5. Last evaluated: 2021-09-05. Review status: criteria provided, single submitter. Criteria: ACMG Guidelines, 2015. Collection method: clinical testing. Allele origin: germline. Affected: no.

GeneDx
Classification: Uncertain significance. Last evaluated: 2019-06-10. Review status: criteria provided, single submitter. Criteria: GeneDx Variant Classification Process June 2021. Collection method: clinical testing. Allele origin: germline. Affected: yes.
Comment: Not observed at a significant frequency in large population cohorts (Lek et al., 2016); In silico analysis, which includes protein predictors and evolutionary conservation, supports a deleterious effect; Has not been previously published as pathogenic or benign to our knowledge

Labcorp Genetics (formerly Invitae), Labcorp
Classification: Uncertain significance for Neuronal ceroid lipofuscinosis. Last evaluated: 2018-09-06. Review status: criteria provided, single submitter. Criteria: Invitae Variant Classification Sherloc (09022015). Collection method: clinical testing. Allele origin: germline.
Comment: This sequence change replaces glycine with arginine at codon 270 of the CLN5 protein (p.Gly270Arg). The glycine residue is moderately conserved and there is a moderate physicochemical difference between glycine and arginine. This variant is present in population databases (rs755669847, ExAC 0.002%). This variant has not been reported in the literature in individuals with CLN5-related disease. ClinVar contains an entry for this variant (Variation ID: 420639). Algorithms developed to predict the effect of missense changes on protein structure and function (SIFT, PolyPhen-2, Align-GVGD) all suggest that this variant is likely to be tolerated, but these predictions have not been confirmed by published functional studies and their clinical significance is uncertain. In summary, the available evidence is currently insufficient to determine the role of this variant in disease. Therefore, it has been classified as a Variant of Uncertain Significance.